The following is an entry in ClinVar:

NM_177438.3(DICER1):c.1528G>A (p.Ala510Thr)

Gene: DICER1 (dicer 1, ribonuclease III; minus strand). Cytogenetic location: 14q32.13.
Variant type: single nucleotide variant.
Coding change: c.1528G>A on transcript NM_177438.3 (MANE Select); coding-DNA position 1528, G replaced by A.
Protein change: p.Ala510Thr; replaces alanine 510 with threonine.
Molecular consequence: missense variant. On other transcripts: non-coding transcript variant (6), intron variant (1).
Genome position (GRCh38, 1-based): chr14:95,116,677, C>T on the plus strand (G>A on the coding strand, the complement: DICER1 is on the minus strand). VCF-style: chr14-95116677-C-T. GRCh37 (hg19) VCF-style: chr14-95583014-C-T.
Other names: c.1528G>A, p.Ala510Thr (NM_001195573.1, NM_001271282.3, NM_001291628.2 and 12 more transcripts); c.1246G>A, p.Ala416Thr (NM_001395686.1); c.1123G>A, p.Ala375Thr (NM_001395687.1, NM_001395688.1, NM_001395689.1 and 3 more transcripts); c.961G>A, p.Ala321Thr (NM_001395691.1); c.-59-97G>A (NM_001395697.1); short protein forms A321T, A416T, A375T, A510T.
Identifiers: ClinVar variation 3840035 (VCV003840035.1).

ClinVar aggregate classification (germline): Uncertain significance (1 of 4 stars; one submission).

Conditions:
Hereditary cancer-predisposing syndrome. Also called: Hereditary neoplastic syndrome; Neoplastic Syndromes, Hereditary; Tumor predisposition; Hereditary Cancer Syndrome. Identifiers: Orphanet 140162, MedGen C0027672, MeSH D009386, MONDO:0015356.

Submission:

Ambry Genetics
Classification: Uncertain significance for Hereditary cancer-predisposing syndrome. Last evaluated: 2025-02-14. Review status: criteria provided, single submitter. Criteria: Ambry Variant Classification Scheme 2023. Collection method: clinical testing. Allele origin: germline.
Comment: The p.A510T variant (also known as c.1528G>A), located in coding exon 9 of the DICER1 gene, results from a G to A substitution at nucleotide position 1528. The alanine at codon 510 is replaced by threonine, an amino acid with similar properties. This amino acid position is conserved. In addition, the in silico prediction for this alteration is inconclusive. Based on the available evidence, the clinical significance of this variant remains unclear.